The following is an entry in ClinVar:

ClinVar aggregate classification (germline): Conflicting classifications of pathogenicity. Review status: criteria provided, conflicting classifications (1 of 4 stars). 7 submissions from 7 submitters: Pathogenic (1); Likely pathogenic (3); Uncertain significance (3). Last evaluated 2026-01-13.

Conditions:
Hereditary cancer-predisposing syndrome. Also called: Tumor predisposition; Hereditary Cancer Syndrome; Hereditary neoplastic syndrome; Neoplastic Syndromes, Hereditary. Identifiers: Orphanet 140162, MedGen C0027672, MeSH D009386, MONDO:0015356.
BRCA2-related cancer predisposition. Identifiers: MedGen CN377758, MONDO:0700269.
Hereditary breast ovarian cancer syndrome. Also called: Hereditary breast and ovarian cancer syndrome; Hereditary breast and ovarian cancer; Breast and ovarian cancer; Hereditary breast and/or ovarian cancer syndrome; BRCA1- and BRCA2-Associated Hereditary Breast and Ovarian Cancer; Hereditary breast and ovarian cancer syndrome (HBOC). Identifiers: Orphanet 145, MedGen C0677776, MeSH D061325, MONDO:0003582. Disease mechanism: loss of function.

Submissions (7):

Hema, HEMA – Genetic and Molecular Diagnostic Laboratory
Classification: Uncertain significance for BRCA2-related cancer predisposition. Last evaluated: 2026-01-13. Review status: criteria provided, single submitter. Criteria: HEMA Variant Classification Assertion Criteria. Collection method: clinical testing. Allele origin: germline.
Comment: The c.8167G>A p.(Asp2723Asn) variant is a transition from guanine to adenine, resulting in the substitution of aspartic acid 2723 by asparagine in the BRCA2 protein. PS3: A calibrated functional study has reported that the variant exhibits a function similar to that of known pathogenic variants (PMID: 33609447). PM2_Supporting: Absent in the gnomAD v4.1.0 database. BP4: Missense variant within a functional domain for which the computational predictor BayesDel-noAF = 0.16 < 0.18 indicates that it would not impact the function of the BRCA2 protein. According to the splicing predictor SpliceAI, the variant does not alter splicing.

Quest Diagnostics Nichols Institute San Juan Capistrano
Classification: Pathogenic. Last evaluated: 2025-06-02. Review status: criteria provided, single submitter. Criteria: Quest Diagnostics criteria. Collection method: clinical testing. Allele origin: unknown.
Comment: The BRCA2 c.8167G>A (p.Asp2723Asn) variant has been reported in the published literature in an individual with ovarian cancer (PMID: 28888541 (2017)). Assessment of experimental evidence suggests this variant results in impaired protein function (PMIDs: 33609447 (2021), 37713444 (2023)). At least one other missense variant at this codon is considered to be pathogenic or likely pathogenic, suggesting this variant may also cause disease (URL:, Variation IDs: 38141, 52515, 52516, 140975). This variant has not been reported in large, multi-ethnic general populations (Genome Aggregation Database). Analysis of this variant using bioinformatics tools for the prediction of the effect of amino acid changes on protein structure and function yielded predictions that this variant is damaging. Based on the available information, this variant is classified as pathogenic.

German Consortium for Hereditary Breast and Ovarian Cancer, University Hospital Cologne
Classification: Uncertain significance for Hereditary breast ovarian cancer syndrome. Last evaluated: 2024-01-09. Review status: criteria provided, single submitter. Criteria: ClinGen BRCA2 V1.0.0. Collection method: curation. Allele origin: germline.
Comment: . According to the ClinGen ENIGMA BRCA2 v1.0.0 criteria we chose these criteria: PS3 (strong pathogenic): Richardson et al. 2021 Deleterious in HRD-Assay, PM2 (supporting pathogenic): not in gnomAD v3.1.2 non cancer, BP4 (supporting benign): BayesDel 0,159, (BayesDel no-AF score ≤ 0.18 AND SpliceAI ≤0.1)

Women's Health and Genetics/Laboratory Corporation of America, LabCorp
Classification: Likely pathogenic for Hereditary breast ovarian cancer syndrome. Last evaluated: 2022-02-21. Review status: criteria provided, single submitter. Criteria: LabCorp Variant Classification Summary - May 2015. Collection method: clinical testing. Allele origin: germline.
Comment: Variant summary: BRCA2 c.8167G>A (p.Asp2723Asn) results in a conservative amino acid change located in the BRCA2, OB1 domain (IPR015187) of the encoded protein sequence. Four of five in-silico tools predict a damaging effect of the variant on protein function. The variant was absent in 251098 control chromosomes (gnomAD). To our knowledge, no occurrence of c.8167G>A in individuals affected with Hereditary Breast And Ovarian Cancer Syndrome has been reported. At least one publication reports experimental evidence evaluating an impact on protein function. Richardson_2021 demonstrated this variant as loss-of-function using HDR assay. Other variants affecting the same codon have been reported as pathogenic by our lab (p.Asp2723His, p.Asp2723Gly). Three clinical diagnostic laboratories have submitted clinical-significance assessments for this variant to ClinVar after 2014 and classidfied the variant as VUS (n=2) and likely pathogenic (n=1). Based on the evidence outlined above, the variant was classified as likely pathogenic.

Labcorp Genetics (formerly Invitae), Labcorp
Classification: Likely pathogenic for Hereditary breast ovarian cancer syndrome. Last evaluated: 2021-11-26. Review status: criteria provided, single submitter. Criteria: Invitae Variant Classification Sherloc (09022015). Collection method: clinical testing. Allele origin: germline.
Comment: In summary, the currently available evidence indicates that the variant is pathogenic, but additional data are needed to prove that conclusively. Therefore, this variant has been classified as Likely Pathogenic. This variant disrupts the p.Asp2723 amino acid residue in BRCA2. Other variant(s) that disrupt this residue have been determined to be pathogenic (PMID: 11207042, 15290653, 15695382, 16489001, 18607349, 24013206). This suggests that this residue is clinically significant, and that variants that disrupt this residue are likely to be disease-causing. Advanced modeling of protein sequence and biophysical properties (such as structural, functional, and spatial information, amino acid conservation, physicochemical variation, residue mobility, and thermodynamic stability) performed at Invitae indicates that this missense variant is expected to disrupt BRCA2 protein function. ClinVar contains an entry for this variant (Variation ID: 485412). This variant has not been reported in the literature in individuals affected with BRCA2-related conditions. This variant is not present in population databases (gnomAD no frequency). This sequence change replaces aspartic acid, which is acidic and polar, with asparagine, which is neutral and polar, at codon 2723 of the BRCA2 protein (p.Asp2723Asn).

Ambry Genetics
Classification: Likely pathogenic for Hereditary cancer-predisposing syndrome. Last evaluated: 2021-08-11. Review status: criteria provided, single submitter. Criteria: Ambry Variant Classification Scheme 2023. Collection method: clinical testing. Allele origin: germline.
Comment: The p.D2723N variant (also known as c.8167G>A), located in coding exon 17 of the BRCA2 gene, results from a G to A substitution at nucleotide position 8167. The aspartic acid at codon 2723 is replaced by asparagine, an amino acid with some similar properties. This alteration is located a structural hotspot region of the protein, which is predicted to destabilize the protein and disrupt the native protein-protein (BRCA2-DSS1) interaction when altered (Yang et al. Science. 2002; 297(5588):1837-48). Other amino acid substitutions at this codon (p.D2723G and p.D2723H) have been classified as definitely pathogenic by multifactorial analysis, which integrates the following lines of evidence to produce a quantitative likelihood of pathogenicity: in silico prediction models, segregation with disease, tumor characteristics, mutation co-occurrence, and functional assay results (Easton D et al. Am J Hum Genet. 2007;81:873-883; Vallee M et al. Hum Mutat. 2012 Jan;33(1):22-8). This amino acid position is highly conserved in available vertebrate species. In addition, this alteration is predicted to be deleterious by in silico analysis. Based on the majority of available evidence to date, this variant is likely to be pathogenic.

Pittsburgh Clinical Genomics Laboratory, University of Pittsburgh Medical Center
Classification: Uncertain significance for Hereditary Breast and Ovarian Cancer Syndrome. Last evaluated: 2018-12-14. Review status: criteria provided, single submitter. Criteria: ACMG Guidelines, 2015. Collection method: clinical testing. Allele origin: germline. Affected: yes. Observed: 1 variant allele.
Comment: This sequence variant is a single nucleotide substitution (G>A) that results in an aspartic acid to asparagine amino acid change at residue 2723 in the BRCA2 protein. This is a previously reported variant (ClinVar) that has not been reported in breast cancer patients in the literature, to our knowledge. However, other amino acid changes at this position (Asp2723His and Asp2723Gly) are well known to be pathogenic for breast cancer susceptibility, and additional changes (Asp2723Val, Asp2723Ala, and Asp2723Glu) have some clinical assertions in the pathogenic spectrum but also those of uncertain clinical significance. The BRCA2 c.8167G>A variant is not observed in control population datasets (ExAC/gnomAD databases). The Asp2723 residue is located in the OB1 functional domain, which is a domain that binds DNA during the homology directed repair of DNA double strand breaks (PMID: 22193408). Within this domain, a subset of residues (2722-2726) are highly conserved in animal and plant kingdoms, and x-ray crystallographic structure indicates that residues Gly2724 and Trp2725, which are immediate neighbors to the variant residue, make direct contact with the BRCA2-stabilizing protein DSS1 (PMID: 12228710). However, studies assessing the effects of this particular variant on BRCA2 function have not been identified. Multiple bioinformatic tools queried predict that this aspartic acid to asparagine amino acid change would be damaging and the aspartic acid at this position is conserved across all mammalian species examined. Although this data supports pathogenicity, it is important to highlight that aspartic acid and asparagine are similar in structural and chemical properties, suggesting that the effect of this substitution may differ greatly from the known pathogenic substitutions to histidine and glycine, which are highly dissimilar to aspartic acid in structure and charge. Despite the evidence that other amino acid changes at this position cause an increased susceptibility to breast cancer, there is insufficient clinical and functional evidence to determine if this particular variant is pathogenic or benign. Therefore, we consider the clinical significance of this variant to be uncertain.

Literature cited by the submitters: PubMed 33609447 (cited by 3 submitters); PubMed 28888541 (cited by Quest Diagnostics Nichols Institute San Juan Capistrano); PubMed 37713444 (cited by Quest Diagnostics Nichols Institute San Juan Capistrano); PubMed 34247626 (cited by Quest Diagnostics Nichols Institute San Juan Capistrano); PubMed 11207042 (cited by Labcorp Genetics (formerly Invitae), Labcorp); PubMed 15290653 (cited by Labcorp Genetics (formerly Invitae), Labcorp); PubMed 15695382 (cited by Labcorp Genetics (formerly Invitae), Labcorp); PubMed 16489001 (cited by Labcorp Genetics (formerly Invitae), Labcorp); PubMed 18607349 (cited by Labcorp Genetics (formerly Invitae), Labcorp); PubMed 24013206 (cited by Labcorp Genetics (formerly Invitae), Labcorp); PubMed 12228710 (cited by Ambry Genetics and Pittsburgh Clinical Genomics Laboratory, University of Pittsburgh Medical Center); PubMed 19043619 (cited by Ambry Genetics); PubMed 22193408 (cited by Pittsburgh Clinical Genomics Laboratory, University of Pittsburgh Medical Center).

NM_000059.4(BRCA2):c.8167G>A (p.Asp2723Asn)

Gene: BRCA2 (BRCA2 DNA repair associated; plus strand). Cytogenetic location: 13q13.1.
Variant type: single nucleotide variant.
Coding change: c.8167G>A on transcript NM_000059.4 (MANE Select); coding-DNA position 8167, G replaced by A.
Protein change: p.Asp2723Asn; replaces aspartic acid 2723 with asparagine.
Molecular consequence: missense variant.
Genome position (GRCh38, 1-based): chr13:32,363,369, G>A. VCF-style: chr13-32363369-G-A. GRCh37 (hg19) VCF-style: chr13-32937506-G-A.
Other names: short protein forms D2723N.
Identifiers: ClinVar variation 485412 (VCV000485412.19), dbSNP rs41293511, ClinGen allele CA387749585.